The following is an entry in ClinVar:

ClinVar aggregate classification (germline): Likely benign. Review status: criteria provided, multiple submitters, no conflicts (2 of 4 stars). 2 submissions from 2 submitters: Likely benign (2). Last evaluated 2024-10-10.

Conditions:
ANKLE2-related disorder. Also called: ANKLE2-related condition.

Allele frequency attached by ClinVar (database versions not stated): ESP Exome Variant Server 0.00008; gnomAD 0.00015 and 0.00017; 1000 Genomes Project 0.00020; TOPMed 0.00020; ExAC 0.00025; 1000 Genomes Project 30x 0.00031.
gnomAD v4.1: 194 of 1,614,112 alleles (0.012%); highest among the groups gnomAD compares: East Asian, 0.17%; no homozygotes.

Submissions (2):

PreventionGenetics, part of Exact Sciences
Classification: Likely benign for ANKLE2-related condition. Last evaluated: 2024-10-10. Review status: criteria provided, single submitter. Criteria: ACMG Guidelines, 2015. Collection method: clinical testing. Allele origin: germline.
Comment: This variant is classified as likely benign based on ACMG/AMP sequence variant interpretation guidelines (Richards et al. 2015 PMID: 25741868, with internal and published modifications).

Labcorp Genetics (formerly Invitae), Labcorp
Classification: Likely benign. Last evaluated: 2018-12-19. Review status: criteria provided, single submitter. Criteria: Invitae Variant Classification Sherloc (09022015). Collection method: clinical testing. Allele origin: germline.

NM_015114.3(ANKLE2):c.1807C>T (p.Leu603Phe)

Gene: ANKLE2 (ankyrin repeat and LEM domain containing 2; minus strand). Cytogenetic location: 12q24.33.
Variant type: single nucleotide variant.
Coding change: c.1807C>T on transcript NM_015114.3 (MANE Select); coding-DNA position 1807, C replaced by T.
Protein change: p.Leu603Phe; replaces leucine 603 with phenylalanine.
Molecular consequence: missense variant.
Genome position (GRCh38, 1-based): chr12:132,734,469, G>A on the plus strand (C>T on the coding strand, the complement: ANKLE2 is on the minus strand). VCF-style: chr12-132734469-G-A. GRCh37 (hg19) VCF-style: chr12-133311055-G-A.
Other names: short protein forms L603F.
Identifiers: ClinVar variation 726993 (VCV000726993.4), dbSNP rs201330179, ClinGen allele CA6895470.
Genomic context (GRCh38, chr12:132,734,469, plus strand): 5'-AGGAGGCTTCCCGTTCTCCTGTTTCTTGTTGAGCCTTTTTGCCTATTTCCTGCTGTGTGA[G>A]ATATTCTTCTAGTCTTTGCAGGCCTTCCTGGGAAGACAGATCAACAAAACAGCCCAGAAA-3'
Protein context (NP_055929.1, residues 593-613): QEGLQRLEEY[Leu603Phe]TQQEIGKKAQ